The following is an entry in ClinVar:

NM_004100.5(EYA4):c.1388C>A (p.Ala463Glu)

Genes: EYA4 (EYA transcriptional coactivator and phosphatase 4; plus strand), TARID (TCF21 antisense RNA inducing promoter demethylation; minus strand). Cytogenetic location: 6q23.2.
Variant type: single nucleotide variant.
Coding change: c.1388C>A on transcript NM_004100.5 (MANE Select); coding-DNA position 1388, C replaced by A.
Protein change: p.Ala463Glu; replaces alanine 463 with glutamic acid.
Molecular consequence: missense variant.
Genome position (GRCh38, 1-based): chr6:133,512,925, C>A. VCF-style: chr6-133512925-C-A. GRCh37 (hg19) VCF-style: chr6-133834063-C-A.
Other names: c.1226C>A, p.Ala409Glu (NM_001301012.2); c.1406C>A, p.Ala469Glu (NM_001301013.2); c.1319C>A, p.Ala440Glu (NM_001370458.1, NM_172103.4); c.1244C>A, p.Ala415Glu (NM_001370459.1); c.1388C>A, p.Ala463Glu (NM_172105.4); short protein forms A409E, A415E, A440E, A463E, A469E.
Identifiers: ClinVar variation 3363742 (VCV003363742.1).

ClinVar aggregate classification (germline): Uncertain significance (1 of 4 stars; one submission).

Submission:

GeneDx
Classification: Uncertain significance. Last evaluated: 2023-11-02. Review status: criteria provided, single submitter. Criteria: GeneDx Variant Classification Process June 2021. Collection method: clinical testing. Allele origin: germline. Affected: yes.
Comment: Not observed at significant frequency in large population cohorts (gnomAD); In silico analysis supports that this missense variant has a deleterious effect on protein structure/function; Has not been previously published as pathogenic or benign to our knowledge